The following is an entry in ClinVar:

NM_003560.4(PLA2G6):c.2276+71C>G

Gene: PLA2G6 (phospholipase A2 group VI; minus strand). Cytogenetic location: 22q13.1.
Variant type: single nucleotide variant.
Coding change: c.2276+71C>G on transcript NM_003560.4 (MANE Select); 71 bases into the intron after coding-DNA position 2276, C replaced by G.
Molecular consequence: intron variant.
Genome position (GRCh38, 1-based): chr22:38,112,433, G>C on the plus strand (C>G on the coding strand, the complement: PLA2G6 is on the minus strand). VCF-style: chr22-38112433-G-C. GRCh37 (hg19) VCF-style: chr22-38508440-G-C.
Other names: c.1598+71C>G (NM_001349868.2); c.2114+71C>G (NM_001349866.2, NM_001199562.3, NM_001349865.2 and 1 more transcripts); c.1580+71C>G (NM_001349869.2); c.1742+71C>G (NM_001349867.2); c.2276+71C>G (NM_001349864.2).
Identifiers: ClinVar variation 4883801 (VCV004883801.2).

ClinVar aggregate classification (germline): Uncertain significance (1 of 4 stars; one submission).

gnomAD v4.1: 1 of 1,501,616 alleles (0.000067%); highest among the groups gnomAD compares: African/African-American, 0.0014%; no homozygotes.

Submission:

Dasa
Classification: Uncertain significance. Last evaluated: 2026-01-12. Review status: criteria provided, single submitter. Criteria: DASA Assertion Criteria. Collection method: clinical testing. Allele origin: germline.
Comment: NM_003560.4(PLA2G6):c.2276+71C>G is an intronic variant. This variant is rare in population databases. The currently available literature and clinical evidence are not sufficient to establish a definitive association between this variant and the reported condition. Therefore, this variant is classified as a variant of uncertain significance.